The following is an entry in ClinVar:

NM_017547.4(FOXRED1):c.1151A>G (p.Gln384Arg)

Gene: FOXRED1 (FAD dependent oxidoreductase domain containing 1; plus strand). Cytogenetic location: 11q24.2.
Variant type: single nucleotide variant.
Coding change: c.1151A>G on transcript NM_017547.4 (MANE Select); coding-DNA position 1151, A replaced by G.
Protein change: p.Gln384Arg; replaces glutamine 384 with arginine.
Molecular consequence: missense variant. On other transcripts: non-coding transcript variant (3).
Genome position (GRCh38, 1-based): chr11:126,277,120, A>G. VCF-style: chr11-126277120-A-G. GRCh37 (hg19) VCF-style: chr11-126147015-A-G.
Other names: c.590A>G, p.Gln197Arg (NM_001425172.1, NM_001425171.1); c.518A>G, p.Gln173Arg (NM_001425173.1, NM_001425174.1); c.515A>G, p.Gln172Arg (NM_001425175.1); c.1148A>G, p.Gln383Arg (NM_001425163.1, NM_001425164.1); c.1151A>G, p.Gln384Arg (NM_001425165.1, NM_001425166.1, NM_001425161.1); c.1049A>G, p.Gln350Arg (NM_001425167.1); c.641A>G, p.Gln214Arg (NM_001425168.1, NM_001425169.1, NM_001425170.1); c.1181A>G, p.Gln394Arg (NM_001425160.1); short protein forms Q172R, Q383R, Q394R, Q350R, Q173R, Q197R, Q214R, Q384R.
Identifiers: ClinVar variation 5007816 (VCV005007816.2).

ClinVar aggregate classification (germline): Uncertain significance (1 of 4 stars; one submission).

Conditions:
Mitochondrial complex I deficiency, nuclear type 19. Also called: Mitochondrial complex 1 deficiency, nuclear type 19. Identifiers: MedGen C4748791, MONDO:0032624, OMIM 618241.

gnomAD v4.1: 2 of 1,613,638 alleles (0.00012%); highest among the groups gnomAD compares: East Asian, 0.0045%; no homozygotes.

Submission:

Juno Genomics, Hangzhou Juno Genomics, Inc
Classification: Uncertain significance for Mitochondrial complex I deficiency, nuclear type 19. Review status: criteria provided, single submitter. Criteria: ACMG Guidelines, 2015. Collection method: clinical testing. Allele origin: germline.
Comment: Absent from controls (or at extremely low frequency if recessive) in Genome Aggregation Database.;Multiple lines of computational evidence support a deleterious effect on the gene or gene product.